The following is an entry in ClinVar:

NM_001430.5(EPAS1):c.859G>A (p.Glu287Lys)

Gene: EPAS1 (endothelial PAS domain protein 1; plus strand). Cytogenetic location: 2p21.
Variant type: single nucleotide variant.
Coding change: c.859G>A on transcript NM_001430.5 (MANE Select); coding-DNA position 859, G replaced by A.
Protein change: p.Glu287Lys; replaces glutamic acid 287 with lysine.
Molecular consequence: missense variant.
Genome position (GRCh38, 1-based): chr2:46,369,906, G>A. VCF-style: chr2-46369906-G-A. GRCh37 (hg19) VCF-style: chr2-46597045-G-A.
Other names: short protein forms E287K.
Identifiers: ClinVar variation 895868 (VCV000895868.7), dbSNP rs777687956, ClinGen allele CA1644793.

ClinVar aggregate classification (germline): Conflicting classifications of pathogenicity. Review status: criteria provided, conflicting classifications (1 of 4 stars). 3 submissions from 3 submitters: Uncertain significance (1); Likely benign (2). Last evaluated 2025-07-22.

Conditions:
Inborn genetic diseases. Identifiers: MedGen C0950123, MeSH D030342.
Erythrocytosis, familial, 4 (ECYT4). Identifiers: Orphanet 247511, MedGen C2673187, MONDO:0012729, OMIM 611783.

Allele frequency attached by ClinVar (database versions not stated): gnomAD exomes 0.00002 and 0.00004; gnomAD 0.00001; ExAC 0.00004; TOPMed 0.00002.
gnomAD v4.1: 37 of 1,611,694 alleles (0.0023%); highest among the groups gnomAD compares: South Asian, 0.0088%; no homozygotes.

Submissions (3):

Labcorp Genetics (formerly Invitae), Labcorp
Classification: Uncertain significance. Last evaluated: 2025-07-22. Review status: criteria provided, single submitter. Criteria: Invitae Variant Classification Sherloc (09022015). Collection method: clinical testing. Allele origin: germline.
Comment: This sequence change replaces glutamic acid, which is acidic and polar, with lysine, which is basic and polar, at codon 287 of the EPAS1 protein (p.Glu287Lys). This variant is present in population databases (rs777687956, gnomAD 0.01%). This variant has not been reported in the literature in individuals affected with EPAS1-related conditions. ClinVar contains an entry for this variant (Variation ID: 895868). An algorithm developed to predict the effect of missense changes on protein structure and function (PolyPhen-2) suggests that this variant is likely to be disruptive. In summary, the available evidence is currently insufficient to determine the role of this variant in disease. Therefore, it has been classified as a Variant of Uncertain Significance.

Ambry Genetics
Classification: Likely benign for Inborn genetic diseases. Last evaluated: 2023-02-23. Review status: criteria provided, single submitter. Criteria: Ambry Variant Classification Scheme 2023. Collection method: clinical testing. Allele origin: germline.

Illumina Laboratory Services, Illumina
Classification: Likely benign for Erythrocytosis, familial, 4. Last evaluated: 2018-01-12. Review status: criteria provided, single submitter. Criteria: ICSL Variant Classification Criteria 13 December 2019. Collection method: clinical testing. Allele origin: germline.
Comment: This variant was observed in the ICSL laboratory as part of a predisposition screen in an ostensibly healthy population. It had not been previously curated by ICSL or reported in the Human Gene Mutation Database (HGMD: prior to June 1st, 2018), and was therefore a candidate for classification through an automated scoring system. Utilizing variant allele frequency, disease prevalence and penetrance estimates, and inheritance mode, an automated score was calculated to assess if this variant is too frequent to cause the disease. Based on the score and internal cut-off values, a variant classified as likely benign is not then subjected to further curation. The score for this variant resulted in a classification of likely benign for this disease.